The following is an entry in ClinVar:

NM_006031.6(PCNT):c.2186del (p.Lys729fs)

Gene: PCNT (pericentrin; plus strand). Cytogenetic location: 21q22.3.
Variant type: Deletion.
Coding change: c.2186del on transcript NM_006031.6 (MANE Select); coding-DNA position 2186, one base deleted (A; older notation c.2186delA).
Protein change: p.Lys729fs; shifts the reading frame from lysine 729.
Molecular consequence: frameshift variant.
Genome position (GRCh38, 1-based): chr21:46,363,511, A deleted; the last of 2 consecutive A bases (chr21:46,363,510-46,363,511); deleting either gives the same sequence. VCF-style (leftmost placement, unchanged base first): chr21-46363509-GA-G. GRCh37 (hg19) VCF-style: chr21-47783424-GA-G.
Other names: c.1832del, p.Lys611fs (NM_001315529.2); short protein forms K611fs, K729fs.
Identifiers: ClinVar variation 3642764 (VCV003642764.2).
Genomic context (GRCh38, chr21:46,363,509, plus strand): 5'-TTCCTCCTAAATGAAATTATGTTGTCTGTAGGTAAAACACAATCTAATTGAAGACCACCA[GA>G]AGGAACTAAATAATGCTAAGCAAAAGACTGAGCTGATGAAACAGGAATTCCAAAGAAAAG-3'

ClinVar aggregate classification (germline): Pathogenic (1 of 4 stars; one submission).

Submission:

Labcorp Genetics (formerly Invitae), Labcorp
Classification: Pathogenic. Last evaluated: 2024-02-23. Review status: criteria provided, single submitter. Criteria: Invitae Variant Classification Sherloc (09022015). Collection method: clinical testing. Allele origin: germline.
Comment: This sequence change creates a premature translational stop signal (p.Lys729Argfs*3) in the PCNT gene. It is expected to result in an absent or disrupted protein product. Loss-of-function variants in PCNT are known to be pathogenic (PMID: 18174396, 22821869). This variant is not present in population databases (gnomAD no frequency). This variant has not been reported in the literature in individuals affected with PCNT-related conditions. For these reasons, this variant has been classified as Pathogenic.

Literature cited by the submitters: PubMed 18174396; PubMed 22821869.